The following is an entry in ClinVar:

ClinVar aggregate classification (germline): Uncertain significance (0 of 4 stars; one submission).

Conditions:
UMOD-related disorder. Also called: UMOD-related condition.

Allele frequency attached by ClinVar (database versions not stated): gnomAD 0.00001; TOPMed 0.00001.
gnomAD v4.1: 2 of 1,545,740 alleles (0.00013%); highest among the groups gnomAD compares: African/African-American, 0.0027%; no homozygotes.

Submission:

PreventionGenetics, part of Exact Sciences
Classification: Uncertain significance for UMOD-related condition. Last evaluated: 2024-06-25. Review status: no assertion criteria provided. Collection method: clinical testing. Allele origin: germline.
Comment: The UMOD c.566A>G variant is predicted to result in the amino acid substitution p.Tyr189Cys. To our knowledge, this variant has not been reported in the literature or in a large population database, indicating this variant is rare. The p.Tyr189 residue is highly conserved. Although we suspect this variant is pathogenic, the clinical significance of this variant is uncertain due to the absence of conclusive functional and genetic evidence.

NM_003361.4(UMOD):c.566A>G (p.Tyr189Cys)

Gene: UMOD (uromodulin; minus strand). Cytogenetic location: 16p12.3.
Variant type: single nucleotide variant.
Coding change: c.566A>G on transcript NM_003361.4 (MANE Select); coding-DNA position 566, A replaced by G.
Protein change: p.Tyr189Cys; replaces tyrosine 189 with cysteine.
Molecular consequence: missense variant. On other transcripts: non-coding transcript variant (1).
Genome position (GRCh38, 1-based): chr16:20,348,735, T>C on the plus strand (A>G on the coding strand, the complement: UMOD is on the minus strand). VCF-style: chr16-20348735-T-C. GRCh37 (hg19) VCF-style: chr16-20360057-T-C.
Other names: c.566A>G, p.Tyr189Cys (NM_001008389.3, NM_001378232.1, NM_001378233.1 and 3 more transcripts); c.665A>G, p.Tyr222Cys (NM_001278614.2); short protein forms Y189C, Y222C.
Identifiers: ClinVar variation 2636961 (VCV002636961.2), dbSNP rs1159216039, ClinGen allele CA394985444.